The following is an entry in ClinVar:

NM_000397.4(CYBB):c.59G>T (p.Gly20Val)

Gene: CYBB (cytochrome b-245 beta chain; plus strand). Cytogenetic location: Xp21.1.
Variant type: single nucleotide variant.
Coding change: c.59G>T on transcript NM_000397.4 (MANE Select); coding-DNA position 59, G replaced by T.
Protein change: p.Gly20Val; replaces glycine 20 with valine.
Molecular consequence: missense variant.
Genome position (GRCh38, 1-based): chrX:37,782,101, G>T. VCF-style: chrX-37782101-G-T. GRCh37 (hg19) VCF-style: chrX-37641354-G-T.
Other names: short protein forms G20V.
Identifiers: ClinVar variation 4848332 (VCV004848332.1).

ClinVar aggregate classification (germline): Uncertain significance (1 of 4 stars; one submission).

Submission:

Women's Health and Genetics/Laboratory Corporation of America, LabCorp
Classification: Uncertain significance. Last evaluated: 2026-02-16. Review status: criteria provided, single submitter. Criteria: LabCorp Variant Classification Summary - May 2015. Collection method: clinical testing. Allele origin: germline.
Comment: Variant summary: CYBB c.59G>T (p.Gly20Val) results in a non-conservative amino acid change in the encoded protein sequence. Algorithms developed to predict the effect of missense changes on protein structure and function all suggest that this variant is likely to be disruptive. The variant was absent in 183401 control chromosomes. The available data on variant occurrences in the general population are insufficient to allow any conclusion about variant significance. To our knowledge, no occurrence of c.59G>T in individuals affected with CYBB-related conditions and no experimental evidence demonstrating its impact on protein function have been reported. No submitters have cited clinical-significance assessments for this variant to ClinVar. Based on the evidence outlined above, the variant was classified as uncertain significance.

Literature cited by the submitters: PubMed 29681454.